The following is an entry in ClinVar:

NM_001166108.2(PALLD):c.1376T>G (p.Val459Gly)

Gene: PALLD (palladin, cytoskeletal associated protein; plus strand). Cytogenetic location: 4q32.3.
Variant type: single nucleotide variant.
Coding change: c.1376T>G on transcript NM_001166108.2 (MANE Select); coding-DNA position 1376, T replaced by G.
Protein change: p.Val459Gly; replaces valine 459 with glycine.
Molecular consequence: missense variant.
Genome position (GRCh38, 1-based): chr4:168,690,643, T>G. VCF-style: chr4-168690643-T-G. GRCh37 (hg19) VCF-style: chr4-169611794-T-G.
Other names: c.230T>G, p.Val77Gly (NM_001166109.2); c.1376T>G, p.Val459Gly (NM_016081.4); short protein forms V77G, V459G.
Identifiers: ClinVar variation 1771177 (VCV001771177.3), dbSNP rs1242422277, ClinGen allele CA358795474.
Genomic context (GRCh38, chr4:168,690,643, plus strand): 5'-TGAATTTCCTTGAATTTCAGGAACTGCAAAACACAGCCGTGGCGGAAGGCCAGGTGGTGG[T>G]TCTGGAGTGCCGGGTCCGTGGGGCACCCCCTCTGCAGGTCCAGTGGTTTCGGCAAGGGAG-3'
Protein context (NP_001159580.1, residues 449-469): NTAVAEGQVV[Val459Gly]LECRVRGAPP

ClinVar aggregate classification (germline): Uncertain significance (1 of 4 stars; one submission).

Allele frequency attached by ClinVar (database versions not stated): gnomAD exomes below 0.00001; TOPMed 0.00001; gnomAD 0.00002.
gnomAD v4.1: 11 of 1,614,078 alleles (0.00068%); highest among the groups gnomAD compares: African/African-American, 0.0013%; no homozygotes.

Submission:

Ambry Genetics
Classification: Uncertain significance. Last evaluated: 2024-06-27. Review status: criteria provided, single submitter. Criteria: Ambry Variant Classification Scheme 2023. Collection method: clinical testing. Allele origin: germline.
Comment: The p.V459G variant (also known as c.1376T>G), located in coding exon 6 of the PALLD gene, results from a T to G substitution at nucleotide position 1376. The valine at codon 459 is replaced by glycine, an amino acid with dissimilar properties. This amino acid position is conserved. In addition, this alteration is predicted to be deleterious by in silico analysis. Since supporting evidence is limited at this time, the clinical significance of this alteration remains unclear.